The following is an entry in ClinVar:

ClinVar aggregate classification (germline): Uncertain significance (1 of 4 stars; one submission).

Conditions:
X-linked severe congenital neutropenia (SCNX). Identifiers: Orphanet 86788, MedGen C1845987, MONDO:0010294, OMIM 300299.
Thrombocytopenia 1. Also called: THROMBOCYTOPENIA, X-LINKED, 1; X-linked thrombocytopenia with normal platelets; X-Linked Thrombocytopenia (XLT). Identifiers: Orphanet 268322, Orphanet 852, MedGen C1839163, MONDO:0010743, OMIM 313900.
Wiskott-Aldrich syndrome (WAS). Also called: ALDRICH SYNDROME; IMMUNODEFICIENCY 2; Wiskott-aldrich syndrome, somatic; WISKOTT-ALDRICH SYNDROME 1. Identifiers: Orphanet 906, MedGen C0043194, MONDO:0010518, OMIM 301000.

gnomAD v4.1: 2 of 1,166,637 alleles (0.00017%); highest among the groups gnomAD compares: East Asian, 0.0064%; no homozygotes.

Submission:

Labcorp Genetics (formerly Invitae), Labcorp
Classification: Uncertain significance for Wiskott-Aldrich syndrome; X-linked severe congenital neutropenia; Thrombocytopenia 1. Last evaluated: 2025-05-04. Review status: criteria provided, single submitter. Criteria: Invitae Variant Classification Sherloc (09022015). Collection method: clinical testing. Allele origin: germline.
Comment: This sequence change replaces glycine, which is neutral and non-polar, with arginine, which is basic and polar, at codon 407 of the WAS protein (p.Gly407Arg). This variant is present in population databases (no rsID available, gnomAD 0.01%), including at least one homozygous and/or hemizygous individual. This variant has not been reported in the literature in individuals affected with WAS-related conditions. ClinVar contains an entry for this variant (Variation ID: 3760540). Invitae Evidence Modeling of protein sequence and biophysical properties (such as structural, functional, and spatial information, amino acid conservation, physicochemical variation, residue mobility, and thermodynamic stability) indicates that this missense variant is not expected to disrupt WAS protein function with a negative predictive value of 80%. In summary, the available evidence is currently insufficient to determine the role of this variant in disease. Therefore, it has been classified as a Variant of Uncertain Significance.

NM_000377.3(WAS):c.1219G>C (p.Gly407Arg)

Gene: WAS (WASP actin nucleation promoting factor; plus strand). Cytogenetic location: Xp11.23.
Variant type: single nucleotide variant.
Coding change: c.1219G>C on transcript NM_000377.3 (MANE Select); coding-DNA position 1219, G replaced by C.
Protein change: p.Gly407Arg; replaces glycine 407 with arginine.
Molecular consequence: missense variant.
Genome position (GRCh38, 1-based): chrX:48,688,947, G>C. VCF-style: chrX-48688947-G-C. GRCh37 (hg19) VCF-style: chrX-48547336-G-C.
Other names: short protein forms G407R.
Identifiers: ClinVar variation 3760540 (VCV003760540.2).